The following is an entry in ClinVar:

NM_000384.3(APOB):c.13302C>T (p.Ser4434=)

Gene: APOB (apolipoprotein B; minus strand). Cytogenetic location: 2p24.1.
Variant type: single nucleotide variant.
Coding change: c.13302C>T on transcript NM_000384.3 (MANE Select); coding-DNA position 13302, C replaced by T.
Protein change: p.Ser4434=; no amino-acid change (serine 4434 retained).
Molecular consequence: synonymous variant.
Genome position (GRCh38, 1-based): chr2:21,002,120, G>A on the plus strand (C>T on the coding strand, the complement: APOB is on the minus strand). VCF-style: chr2-21002120-G-A. GRCh37 (hg19) VCF-style: chr2-21224992-G-A.
Other names: p.Ser4434=.
Identifiers: ClinVar variation 334070 (VCV000334070.61), dbSNP rs144040999, ClinGen allele CA052366.
Genomic context (GRCh38, chr2:21,002,120, plus strand): 5'-GATGCTAAGATATTCCTGAATATTTCTGTGCAGAAATTGCTCAACTTGACTTGAGAGTTG[G>A]GAAGTAAAGTTAGAGGCACTGACAATATATTCAGAATGGAAGTCCTTAAGAGCAACTAAC-3'
Protein context (NP_000375.3, residues 4424-4444): EYIVSASNFT[Ser4434=]QLSSQVEQFL

ClinVar aggregate classification (germline): Conflicting classifications of pathogenicity. Review status: criteria provided, conflicting classifications (1 of 4 stars). 11 submissions from 10 submitters: Uncertain significance (2); Likely benign (7). 2 of the submissions do not count toward it. Last evaluated 2025-12-09.

Conditions:
Familial hypercholesterolemia. Also called: Familial hypercholesterolaemia; Familial hypercholesterolemias. Identifiers: MedGen C0020445, MONDO:0005439.
Hypercholesterolemia, autosomal dominant, type B (FHCL2). Also called: Familial hypercholesterolemia 2; APOB-Related Familial Hypercholesterolemia, Autosomal Dominant; APOLIPOPROTEIN B-100, FAMILIAL DEFECTIVE; APOLIPOPROTEIN B-100, FAMILIAL LIGAND-DEFECTIVE; Familial Hypercholesterolemia Type B; HYPERCHOLESTEROLEMIA, FAMILIAL, DUE TO LIGAND-DEFECTIVE APOLIPOPROTEIN B. Identifiers: MedGen C1704417, MONDO:0007751, OMIM 144010.
Cardiovascular phenotype. Identifiers: MedGen CN230736.
Familial hypobetalipoproteinemia 1. Also called: APOB-Related Familial Hypobetalipoproteinemia; Hypobetalipoproteinemia, normotriglyceridemic; Acanthocytosis with hypobetalipoproteinemia. Identifiers: MedGen C4551990, MONDO:0014252, OMIM 615558.
Hypercholesterolemia, familial, 1. Also called: LDL RECEPTOR DISORDER; Hyperlipoproteinemia Type IIa; HYPER-LOW-DENSITY-LIPOPROTEINEMIA; HYPERCHOLESTEROLEMIC XANTHOMATOSIS, FAMILIAL; Fredrickson type IIa hyperlipoproteinemia; Hyperlipoproteinemia type 2. Identifiers: Orphanet 391665, MedGen C0745103, MONDO:0007750, OMIM 143890.

Allele frequency attached by ClinVar (database versions not stated): TOPMed 0.00009; gnomAD 0.00011 and 0.00013; gnomAD exomes 0.00016 and 0.00023; ESP Exome Variant Server 0.00031; ExAC 0.00032.
gnomAD v4.1: 256 of 1,613,792 alleles (0.016%); highest among the groups gnomAD compares: Non-Finnish European, 0.017%; no homozygotes.

Submissions (11):

Labcorp Genetics (formerly Invitae), Labcorp
Classification: Likely benign for Familial hypobetalipoproteinemia 1; Hypercholesterolemia, autosomal dominant, type B. Last evaluated: 2025-12-09. Review status: criteria provided, single submitter. Criteria: Invitae Variant Classification Sherloc (09022015). Collection method: clinical testing. Allele origin: germline.

Mayo Clinic Laboratories, Mayo Clinic
Classification: Likely benign. Last evaluated: 2025-08-05. Review status: criteria provided, single submitter. Criteria: ACMG Guidelines, 2015. Collection method: clinical testing. Allele origin: germline. Observed: 1 variant allele.
Comment: BS1, BP4, BP7

Blueprint Genetics
Classification: Likely benign. Last evaluated: 2024-08-15. Review status: criteria provided, single submitter. Criteria: ACMG Guidelines, 2015. Collection method: clinical testing. Allele origin: germline.

GENinCode PLC
Classification: Likely benign for Familial hypercholesterolemia. Last evaluated: 2024-05-16. Review status: criteria provided, single submitter. Criteria: ACMG Guidelines, 2015. Collection method: clinical testing. Allele origin: germline.
Comment: This is a synonymous (silent) variant that is not predicted by SpliceAI to impact splicing. In addition, it occurs at a nucleotide that is not conserved. Therefore this variant has been classified as Likely Benign (BP4, BP7).

Ambry Genetics
Classification: Likely benign for Cardiovascular phenotype. Last evaluated: 2022-04-06. Review status: criteria provided, single submitter. Criteria: Ambry Variant Classification Scheme 2023. Collection method: clinical testing. Allele origin: germline.

CeGaT Center for Human Genetics Tuebingen
Classification: Likely benign. Last evaluated: 2021-10-01. Review status: criteria provided, single submitter. Criteria: CeGaT Center For Human Genetics Tuebingen Variant Classification Criteria Version 2. Collection method: clinical testing. Allele origin: germline. Affected: yes. Observed: 2 variant alleles.

Illumina Laboratory Services, Illumina
Classification: Uncertain significance for Hypercholesterolemia, autosomal dominant, type B. Last evaluated: 2018-01-13. Review status: criteria provided, single submitter. Criteria: ICSL Variant Classification Criteria 13 December 2019. Collection method: clinical testing. Allele origin: germline.

Illumina Laboratory Services, Illumina
Classification: Uncertain significance for Familial hypobetalipoproteinemia 1. Last evaluated: 2018-01-13. Review status: criteria provided, single submitter. Criteria: ICSL Variant Classification Criteria 13 December 2019. Collection method: clinical testing. Allele origin: germline.

Robarts Research Institute, Western University
Classification: Likely benign for Hypercholesterolemia, familial, 1. Last evaluated: 2018-01-02. Review status: criteria provided, single submitter. Criteria: ACMG Guidelines, 2015. Collection method: clinical testing. Allele origin: germline. Inheritance: Autosomal dominant inheritance. Affected: yes.

Clinical Genetics, Academic Medical Center
Classification: Likely benign. Review status: no assertion criteria provided. Collection method: clinical testing. Allele origin: germline. Affected: yes. Study: VKGL Data-share Consensus. Not counted in ClinVar's aggregate classification.

Genome Diagnostics Laboratory, University Medical Center Utrecht
Classification: Likely benign. Review status: no assertion criteria provided. Collection method: clinical testing. Allele origin: germline. Affected: yes. Study: VKGL Data-share Consensus. Not counted in ClinVar's aggregate classification.